The following is an entry in ClinVar:

NM_006343.3(MERTK):c.1010C>T (p.Thr337Ile)

Genes: MERTK (MER proto-oncogene, tyrosine kinase; plus strand), LOC112806037 (Sharpr-MPRA regulatory region 3720; plus strand). Cytogenetic location: 2q13.
Variant type: single nucleotide variant.
Coding change: c.1010C>T on transcript NM_006343.3 (MANE Select); coding-DNA position 1010, C replaced by T.
Protein change: p.Thr337Ile; replaces threonine 337 with isoleucine.
Molecular consequence: missense variant.
Genome position (GRCh38, 1-based): chr2:111,975,338, C>T. VCF-style: chr2-111975338-C-T. GRCh37 (hg19) VCF-style: chr2-112732915-C-T.
Other names: short protein forms T337I.
Identifiers: ClinVar variation 849199 (VCV000849199.7), dbSNP rs775153333, ClinGen allele CA1831256.

ClinVar aggregate classification (germline): Uncertain significance. Review status: criteria provided, multiple submitters, no conflicts (2 of 4 stars). 2 submissions from 2 submitters: Uncertain significance (2). Last evaluated 2024-02-23.

Allele frequency attached by ClinVar (database versions not stated): gnomAD exomes below 0.00001 and 0.00001; ExAC 0.00001.
gnomAD v4.1: 11 of 1,614,194 alleles (0.00068%); highest among the groups gnomAD compares: Non-Finnish European, 0.00051%; no homozygotes.

Submissions (2):

Labcorp Genetics (formerly Invitae), Labcorp
Classification: Uncertain significance. Last evaluated: 2024-02-23. Review status: criteria provided, single submitter. Criteria: Invitae Variant Classification Sherloc (09022015). Collection method: clinical testing. Allele origin: germline.
Comment: This sequence change replaces threonine, which is neutral and polar, with isoleucine, which is neutral and non-polar, at codon 337 of the MERTK protein (p.Thr337Ile). This variant is present in population databases (rs775153333, gnomAD 0.002%). This variant has not been reported in the literature in individuals affected with MERTK-related conditions. ClinVar contains an entry for this variant (Variation ID: 849199). Advanced modeling of protein sequence and biophysical properties (such as structural, functional, and spatial information, amino acid conservation, physicochemical variation, residue mobility, and thermodynamic stability) performed at Invitae indicates that this missense variant is not expected to disrupt MERTK protein function with a negative predictive value of 80%. In summary, the available evidence is currently insufficient to determine the role of this variant in disease. Therefore, it has been classified as a Variant of Uncertain Significance.

Blueprint Genetics
Classification: Uncertain significance. Last evaluated: 2022-10-28. Review status: criteria provided, single submitter. Criteria: ACMG Guidelines, 2015. Collection method: clinical testing. Allele origin: germline.